The following is an entry in ClinVar:

NM_001792.5(CDH2):c.472A>G (p.Lys158Glu)

Gene: CDH2 (cadherin 2; minus strand). Cytogenetic location: 18q12.1.
Variant type: single nucleotide variant.
Coding change: c.472A>G on transcript NM_001792.5 (MANE Select); coding-DNA position 472, A replaced by G.
Protein change: p.Lys158Glu; replaces lysine 158 with glutamic acid.
Molecular consequence: missense variant.
Genome position (GRCh38, 1-based): chr18:28,011,920, T>C on the plus strand (A>G on the coding strand, the complement: CDH2 is on the minus strand). VCF-style: chr18-28011920-T-C. GRCh37 (hg19) VCF-style: chr18-25591884-T-C.
Other names: c.379A>G, p.Lys127Glu (NM_001308176.2); short protein forms K127E, K158E.
Identifiers: ClinVar variation 1481379 (VCV001481379.6), dbSNP rs2144034267, ClinGen allele CA402243902.

ClinVar aggregate classification (germline): Uncertain significance (1 of 4 stars; one submission).

Submission:

Labcorp Genetics (formerly Invitae), Labcorp
Classification: Uncertain significance. Last evaluated: 2021-08-27. Review status: criteria provided, single submitter. Criteria: Invitae Variant Classification Sherloc (09022015). Collection method: clinical testing. Allele origin: germline.
Comment: In summary, the available evidence is currently insufficient to determine the role of this variant in disease. Therefore, it has been classified as a Variant of Uncertain Significance. Algorithms developed to predict the effect of missense changes on protein structure and function are either unavailable or do not agree on the potential impact of this missense change (SIFT: "Deleterious"; PolyPhen-2: "Probably Damaging"; Align-GVGD: "Class C0"). This variant has not been reported in the literature in individuals affected with CDH2-related conditions. This variant is not present in population databases (ExAC no frequency). This sequence change replaces lysine with glutamic acid at codon 158 of the CDH2 protein (p.Lys158Glu). The lysine residue is highly conserved and there is a small physicochemical difference between lysine and glutamic acid.